The following is an entry in ClinVar:

ClinVar aggregate classification (germline): Likely benign (0 of 4 stars; one submission).

Conditions:
SV2C-related disorder. Also called: SV2C-related condition.

Allele frequency attached by ClinVar (database versions not stated): gnomAD 0.00015; ExAC 0.00017; gnomAD exomes 0.00018.
gnomAD v4.1: 280 of 1,613,130 alleles (0.017%); highest among the groups gnomAD compares: Admixed American, 0.027%; no homozygotes.

Submission:

PreventionGenetics, part of Exact Sciences
Classification: Likely benign for SV2C-related condition. Last evaluated: 2019-11-06. Review status: no assertion criteria provided. Collection method: clinical testing. Allele origin: germline.
Comment: This variant is classified as likely benign based on ACMG/AMP sequence variant interpretation guidelines (Richards et al. 2015 PMID: 25741868, with internal and published modifications).

NM_014979.4(SV2C):c.31C>T (p.Leu11=)

Gene: SV2C (synaptic vesicle glycoprotein 2C; plus strand). Cytogenetic location: 5q13.3.
Variant type: single nucleotide variant.
Coding change: c.31C>T on transcript NM_014979.4 (MANE Select); coding-DNA position 31, C replaced by T.
Protein change: p.Leu11=; no amino-acid change (leucine 11 retained).
Molecular consequence: synonymous variant.
Genome position (GRCh38, 1-based): chr5:76,131,781, C>T. VCF-style: chr5-76131781-C-T. GRCh37 (hg19) VCF-style: chr5-75427606-C-T.
Other names: c.31C>T, p.Leu11= (NM_001297716.2).
Identifiers: ClinVar variation 3045761 (VCV003045761.2), dbSNP rs777282920, ClinGen allele CA3310726.